The following is an entry in ClinVar:

ClinVar aggregate classification (germline): Pathogenic. Review status: criteria provided, multiple submitters, no conflicts (2 of 4 stars). 2 submissions from 2 submitters: Pathogenic (2). Last evaluated 2025-10-29.

Conditions:
Becker muscular dystrophy, Cardiomyopathy, Duchenne muscular dystrophy, Dystrophin deficiency.
Becker muscular dystrophy (BMD). Also called: MUSCULAR DYSTROPHY, PSEUDOHYPERTROPHIC PROGRESSIVE, BECKER TYPE; Becker Muscular Dystrophy (BMD). Identifiers: Orphanet 98895, MedGen C0917713, MONDO:0010311, OMIM 300376.

Allele frequency attached by ClinVar (database versions not stated): 1000 Genomes Project 30x 0.00021.

Submissions (2):

Natera, Inc.
Classification: Pathogenic for Becker muscular dystrophy, Cardiomyopathy, Duchenne muscular dystrophy, Dystrophin deficiency. Last evaluated: 2025-10-29. Review status: criteria provided, single submitter. Criteria: Natera Variant Classification Schema (03/2026). Collection method: clinical testing. Allele origin: germline.
Comment: The c.9249G>A variant in DMD is a nonsense variant predicted to introduce a stop codon at amino acid 3083. This variant is expected to result in nonsense mediated decay, truncation, or a dysfunctional protein product. This variant is rare in the general population with a frequency below the threshold expected for the associated phenotype(s). This variant has been observed in affected individual(s) with monoallelic occurrence (heterozygous/hemizygous) (PMID: 38850354, 34595143). Given the available evidence, this variant is classified as Pathogenic.

Mendelics
Classification: Pathogenic for Becker muscular dystrophy. Last evaluated: 2022-05-04. Review status: criteria provided, single submitter. Criteria: Mendelics Assertion Criteria 2019. Collection method: clinical testing. Allele origin: germline.

Literature cited by the submitters: PubMed 38850354 (cited by Natera, Inc.); PubMed 34595143 (cited by Natera, Inc.).

NM_004006.3(DMD):c.9249G>A (p.Trp3083Ter)

Gene: DMD (dystrophin; minus strand). Cytogenetic location: Xp21.2.
Variant type: single nucleotide variant.
Coding change: c.9249G>A on transcript NM_004006.3 (MANE Select); coding-DNA position 9249, G replaced by A.
Protein change: p.Trp3083Ter; replaces tryptophan 3083 with a stop codon.
Molecular consequence: nonsense.
Genome position (GRCh38, 1-based): chrX:31,260,992, C>T on the plus strand (G>A on the coding strand, the complement: DMD is on the minus strand). VCF-style: chrX-31260992-C-T. GRCh37 (hg19) VCF-style: chrX-31279109-C-T.
Other names: c.9225G>A, p.Trp3075Ter (NM_000109.4); c.9237G>A, p.Trp3079Ter (NM_004009.3); c.8880G>A, p.Trp2960Ter (NM_004010.3); c.5226G>A, p.Trp1742Ter (NM_004011.4); c.5217G>A, p.Trp1739Ter (NM_004012.4); c.1869G>A, p.Trp623Ter (NM_004013.3, NM_004020.4, NM_004021.3 and 2 more transcripts); c.1062G>A, p.Trp354Ter (NM_004014.3); c.45G>A, p.Trp15Ter (NM_004015.3, NM_004016.3, NM_004017.3 and 2 more transcripts); short protein forms W15*, W1739*, W1742*, W2960*, W3075*, W3079*, W3083*, W354*.
Identifiers: ClinVar variation 1322243 (VCV001322243.3), dbSNP rs2147649257, ClinGen allele CA412652513.
Genomic context (GRCh38, chrX:31,260,992, plus strand): 5'-AGGAAACATGGCCATGTCCTTACCTAAAGACTGGTAGAGCTCTGTCATTTTGGGATGGTC[C>T]CAGCAAGTTGTTTGAGTCTCGTGGCTAAAACACAAAACATAAAGAAAGACTTTAGCATTT-3'